The following is an entry in ClinVar:

ClinVar aggregate classification (germline): Likely pathogenic. Review status: criteria provided, multiple submitters, no conflicts (2 of 4 stars). 8 submissions from 8 submitters: Likely pathogenic (8). Last evaluated 2025-07-09.

Conditions:
Familial cancer of breast. Also called: BREAST CANCER, FAMILIAL; hereditary breast carcinoma; Hereditary breast cancer. Identifiers: Orphanet 227535, MedGen C0346153, MONDO:0016419, OMIM 114480. Disease mechanism: loss of function.
Breast-ovarian cancer, familial, susceptibility to, 5 (BROVCA5). Identifiers: MedGen C5830615, MONDO:0957530, OMIM 620442.
Hereditary cancer-predisposing syndrome. Also called: Tumor predisposition; Hereditary neoplastic syndrome; Neoplastic Syndromes, Hereditary; Hereditary Cancer Syndrome. Identifiers: Orphanet 140162, MedGen C0027672, MeSH D009386, MONDO:0015356.

Submissions (8):

Ambry Genetics
Classification: Likely pathogenic for Hereditary cancer-predisposing syndrome. Last evaluated: 2025-07-09. Review status: criteria provided, single submitter. Criteria: Ambry Variant Classification Scheme 2023. Collection method: clinical testing. Allele origin: germline.
Comment: The c.211+1G>A intronic variant results from a G to A substitution one nucleotide after coding exon 3 of the PALB2 gene. This alteration was identified in a cohort of 1338 Chinese high-risk breast cancer patients (Kwong A et al. J Mol Diagn, 2020 Apr;22:544-554). This nucleotide position is highly conserved in available vertebrate species. In silico splice site analysis predicts that this alteration will weaken the native splice donor site and will result in the creation or strengthening of a novel splice donor site. RNA studies have demonstrated that this alteration results in abnormal splicing in the set of samples tested (Ambry internal data). This variant was not reported in population-based cohorts in the Genome Aggregation Database (gnomAD). Alterations that disrupt the canonical splice site are expected to cause aberrant splicing, resulting in an abnormal protein or a transcript that is subject to nonsense-mediated mRNA decay. As such, this alteration is classified as likely pathogenic.

Labcorp Genetics (formerly Invitae), Labcorp
Classification: Likely pathogenic for Familial cancer of breast. Last evaluated: 2025-05-05. Review status: criteria provided, single submitter. Criteria: Invitae Variant Classification Sherloc (09022015). Collection method: clinical testing. Allele origin: germline.
Comment: This sequence change affects a donor splice site in intron 3 of the PALB2 gene. It is expected to disrupt RNA splicing. Variants that disrupt the donor or acceptor splice site typically lead to a loss of protein function (PMID: 16199547), and loss-of-function variants in PALB2 are known to be pathogenic (PMID: 17200668, 17200671, 17200672, 24136930, 25099575). This variant is not present in population databases (gnomAD no frequency). Disruption of this splice site has been observed in individual(s) with breast cancer (PMID: 29522266, 32068069, 33811135, 34439348). ClinVar contains an entry for this variant (Variation ID: 492177). Studies have shown that disruption of this splice site is associated with inconclusive levels of altered splicing (PMID: 34846068). In summary, the currently available evidence indicates that the variant is pathogenic, but additional data are needed to prove that conclusively. Therefore, this variant has been classified as Likely Pathogenic.

GeneDx
Classification: Likely pathogenic. Last evaluated: 2025-04-17. Review status: criteria provided, single submitter. Criteria: GeneDx Variant Classification Process June 2021. Collection method: clinical testing. Allele origin: germline.
Comment: Canonical splice site variant demonstrated via mini-gene assay to result in aberrant splicing creating two different transcripts: one predicted to cause a null allele and another leading to an in-frame product (PMID: 34846068); Not observed at significant frequency in large population cohorts (gnomAD); In silico analysis supports a deleterious effect on splicing; Observed in individuals with breast cancer as well as unaffected controls (PMID: 32068069, 33811135); This variant is associated with the following publications: (PMID: 31589614, 34846068, 33811135, 37511102, 37651980, 34439348, 32068069)

Myriad Genetics, Inc.
Classification: Likely pathogenic for Familial cancer of breast. Last evaluated: 2024-10-08. Review status: criteria provided, single submitter. Criteria: Myriad Autosomal Dominant, Autosomal Recessive and X-Linked Classification Criteria (2023). Collection method: clinical testing. Allele origin: unknown.
Comment: This variant is considered likely pathogenic. This variant occurs within a consensus splice junction and is predicted to result in abnormal mRNA splicing of either an out-of-frame exon or an in-frame exon necessary for protein stability and/or normal function.

Baylor Genetics
Classification: Likely pathogenic for Familial cancer of breast. Last evaluated: 2024-02-07. Review status: criteria provided, single submitter. Criteria: ACMG Guidelines, 2015. Collection method: clinical testing. Allele origin: unknown.

Department of Pathology and Laboratory Medicine, Sinai Health System
Classification: Likely pathogenic for Breast-ovarian cancer, familial, susceptibility to, 5. Last evaluated: 2023-05-15. Review status: criteria provided, single submitter. Criteria: ACMG Guidelines, 2015. Collection method: clinical testing. Allele origin: germline. Affected: yes.

Color Diagnostics, LLC DBA Color Health
Classification: Likely pathogenic for Hereditary cancer-predisposing syndrome. Last evaluated: 2020-03-19. Review status: criteria provided, single submitter. Criteria: ACMG Guidelines, 2015. Collection method: clinical testing. Allele origin: germline.
Comment: This variant causes a G to A nucleotide substitution at the +1 position of intron 3 of the PALB2 gene. Splice site prediction tools suggest that this variant may have a significant impact on RNA splicing. Although this prediction has not been confirmed in published RNA studies, this variant is expected to result in an absent or disrupted protein product. This variant has been reported in individuals affected with breast cancer (PMID: 32068069). This variant has not been identified in the general population by the Genome Aggregation Database (gnomAD). Loss of PALB2 function is a known mechanism of disease. Based on the available evidence, this variant is classified as Likely Pathogenic.

Mendelics
Classification: Likely pathogenic for Familial cancer of breast. Last evaluated: 2019-05-28. Review status: criteria provided, single submitter. Criteria: Mendelics Assertion Criteria 2017. Collection method: clinical testing. Allele origin: unknown.

Literature cited by the submitters: PubMed 32068069 (cited by 3 submitters); PubMed 16199547 (cited by Labcorp Genetics (formerly Invitae), Labcorp); PubMed 17200668 (cited by Labcorp Genetics (formerly Invitae), Labcorp); PubMed 17200671 (cited by Labcorp Genetics (formerly Invitae), Labcorp); PubMed 17200672 (cited by Labcorp Genetics (formerly Invitae), Labcorp); PubMed 24136930 (cited by Labcorp Genetics (formerly Invitae), Labcorp); PubMed 25099575 (cited by Labcorp Genetics (formerly Invitae), Labcorp); PubMed 29522266 (cited by Labcorp Genetics (formerly Invitae), Labcorp); PubMed 33811135 (cited by Labcorp Genetics (formerly Invitae), Labcorp); PubMed 34439348 (cited by Labcorp Genetics (formerly Invitae), Labcorp); PubMed 34846068 (cited by Labcorp Genetics (formerly Invitae), Labcorp and Department of Pathology and Laboratory Medicine, Sinai Health System); PubMed 33471991 (cited by Department of Pathology and Laboratory Medicine, Sinai Health System).

NM_024675.4(PALB2):c.211+1G>A

Gene: PALB2 (partner and localizer of BRCA2; minus strand). Cytogenetic location: 16p12.2.
Variant type: single nucleotide variant.
Coding change: c.211+1G>A on transcript NM_024675.4 (MANE Select); the canonical splice donor site of the intron after coding-DNA position 211, G replaced by A.
Molecular consequence: splice donor variant. On other transcripts: intron variant (3).
Genome position (GRCh38, 1-based): chr16:23,637,849, C>T on the plus strand (G>A on the coding strand, the complement: PALB2 is on the minus strand). VCF-style: chr16-23637849-C-T. GRCh37 (hg19) VCF-style: chr16-23649170-C-T.
Other names: c.-675+1G>A (NM_001407308.1, NM_001407306.1, NM_001407307.1 and 5 more transcripts); c.48+3261G>A (NM_001407314.1); c.-105+3261G>A (NM_001407313.1, NM_001407312.1); c.151+1G>A (NM_001407296.1); c.211+1G>A (NM_001407297.1, NM_001407302.1, NM_001407298.1 and 3 more transcripts).
Identifiers: ClinVar variation 492177 (VCV000492177.27), dbSNP rs1555462026, ClinGen allele CA395139005.